The following is an entry in ClinVar:

NM_003482.4(KMT2D):c.1677_1703del (p.Glu560_Glu568del)

Gene: KMT2D (lysine methyltransferase 2D; minus strand). Cytogenetic location: 12q13.12.
Variant type: Deletion.
Coding change: c.1677_1703del on transcript NM_003482.4 (MANE Select); coding-DNA positions 1677 to 1703, 27 bases deleted (GGAATTGCCCACTTCCCCGCCACCTGA).
Protein change: p.Glu560_Glu568del.
Molecular consequence: inframe deletion.
Genome position (GRCh38, 1-based): chr12:49,051,980-49,052,006, TCAGGTGGCGGGGAAGTGGGCAATTCC deleted on the plus strand (GGAATTGCCCACTTCCCCGCCACCTGA on the coding strand, the reverse complement: KMT2D is on the minus strand); deleting any 27 consecutive bases within chr12:49,051,980-49,052,020 gives the same sequence; the c. name uses the placement nearest the transcript's 3' end. VCF-style (leftmost placement, unchanged base first): chr12-49051979-TTCAGGTGGCGGGGAAGTGGGCAATTCC-T. GRCh37 (hg19) VCF-style: chr12-49445762-TTCAGGTGGCGGGGAAGTGGGCAATTCC-T.
Identifiers: ClinVar variation 134660 (VCV000134660.1), dbSNP rs587778448, ClinGen allele CA160481.

ClinVar aggregate classification (germline): not provided (0 of 4 stars; one submission).

Submission:

ITMI
No classification provided. Condition: AllHighlyPenetrant. Last evaluated: 2013-09-19. Review status: no classification provided. Collection method: reference population. Allele origin: germline.
Comment: Please see associated publication for description of ethnicities

Literature cited by the submitters: PubMed 24728327.